The following is an entry in ClinVar:

NM_198407.2(GHSR):c.508G>A (p.Val170Met)

Gene: GHSR (growth hormone secretagogue receptor; minus strand). Cytogenetic location: 3q26.31.
Variant type: single nucleotide variant.
Coding change: c.508G>A on transcript NM_198407.2 (MANE Select); coding-DNA position 508, G replaced by A.
Protein change: p.Val170Met; replaces valine 170 with methionine.
Molecular consequence: missense variant.
Genome position (GRCh38, 1-based): chr3:172,447,906, C>T on the plus strand (G>A on the coding strand, the complement: GHSR is on the minus strand). VCF-style: chr3-172447906-C-T. GRCh37 (hg19) VCF-style: chr3-172165696-C-T.
Other names: c.508G>A, p.Val170Met (NM_004122.2); short protein forms V170M.
Identifiers: ClinVar variation 2802359 (VCV002802359.3), dbSNP rs1737515275, ClinGen allele CA355514298.
Genomic context (GRCh38, chr3:172,447,906, plus strand): 5'-TGCCGTTCTCGTGCTCCACCCCGACTAGCACGAAGATGGGCCCGGCGCTGCAGAAGGCCA[C>T]GGCCCAGATGACGAAGATGACCAGCTTCACCCGCCCCTTGGTGACCACCACCTTGGCCCG-3'
Protein context (NP_940799.1, residues 160-180): VKLVIFVIWA[Val170Met]AFCSAGPIFV

ClinVar aggregate classification (germline): Uncertain significance (1 of 4 stars; one submission).

Allele frequency attached by ClinVar (database versions not stated): gnomAD exomes below 0.00001.

Submission:

Labcorp Genetics (formerly Invitae), Labcorp
Classification: Uncertain significance. Last evaluated: 2024-03-04. Review status: criteria provided, single submitter. Criteria: Invitae Variant Classification Sherloc (09022015). Collection method: clinical testing. Allele origin: germline.
Comment: This sequence change replaces valine, which is neutral and non-polar, with methionine, which is neutral and non-polar, at codon 170 of the GHSR protein (p.Val170Met). This variant is not present in population databases (gnomAD no frequency). This variant has not been reported in the literature in individuals affected with GHSR-related conditions. Advanced modeling of protein sequence and biophysical properties (such as structural, functional, and spatial information, amino acid conservation, physicochemical variation, residue mobility, and thermodynamic stability) performed at Invitae indicates that this missense variant is not expected to disrupt GHSR protein function with a negative predictive value of 80%. In summary, the available evidence is currently insufficient to determine the role of this variant in disease. Therefore, it has been classified as a Variant of Uncertain Significance.